The following is an entry in ClinVar:

ClinVar aggregate classification (germline): Pathogenic (1 of 4 stars; one submission).

Conditions:
Brachyolmia-amelogenesis imperfecta syndrome. Also called: PLATYSPONDYLY WITH AMELOGENESIS IMPERFECTA; Tooth agenesis, selective, 6; Dental anomalies and short stature. Identifiers: Orphanet 2899, MedGen C1832594, MONDO:0011018, OMIM 601216. Disease mechanism: loss of function.

Submission:

Labcorp Genetics (formerly Invitae), Labcorp
Classification: Pathogenic for Brachyolmia-amelogenesis imperfecta syndrome. Last evaluated: 2025-01-26. Review status: criteria provided, single submitter. Criteria: Invitae Variant Classification Sherloc (09022015). Collection method: clinical testing. Allele origin: germline.
Comment: This sequence change creates a premature translational stop signal (p.Gln257Profs*123) in the LTBP3 gene. It is expected to result in an absent or disrupted protein product. Loss-of-function variants in LTBP3 are known to be pathogenic (PMID: 11790802, 19344874, 25669657). This variant is not present in population databases (gnomAD no frequency). This variant has not been reported in the literature in individuals affected with LTBP3-related conditions. For these reasons, this variant has been classified as Pathogenic.

Literature cited by the submitters: PubMed 11790802; PubMed 19344874; PubMed 25669657.

NM_001130144.3(LTBP3):c.765_789del (p.Gln257fs)

Gene: LTBP3 (latent transforming growth factor beta binding protein 3; minus strand). Cytogenetic location: 11q13.1.
Variant type: Deletion.
Coding change: c.765_789del on transcript NM_001130144.3 (MANE Select); coding-DNA positions 765 to 789, 25 bases deleted (CTCCCAGCACCTGCTGCCGCACCCC).
Protein change: p.Gln257fs; shifts the reading frame from glutamine 257.
Molecular consequence: frameshift variant.
Genome position (GRCh38, 1-based): chr11:65,553,776-65,553,800, GGGGTGCGGCAGCAGGTGCTGGGAG deleted on the plus strand (CTCCCAGCACCTGCTGCCGCACCCC on the coding strand, the reverse complement: LTBP3 is on the minus strand); deleting any 25 consecutive bases within chr11:65,553,776-65,553,804 gives the same sequence; the c. name uses the placement nearest the transcript's 3' end. VCF-style (leftmost placement, unchanged base first): chr11-65553775-TGGGGTGCGGCAGCAGGTGCTGGGAG-T. GRCh37 (hg19) VCF-style: chr11-65321246-TGGGGTGCGGCAGCAGGTGCTGGGAG-T.
Other names: c.414_438del, p.Gln140fs (NM_001164266.1); c.765_789del, p.Gln257fs (NM_021070.4); short protein forms Q257fs, Q140fs.
Identifiers: ClinVar variation 3690129 (VCV003690129.2).
Genomic context (GRCh38, chr11:65,553,775, plus strand): 5'-GAGTGTCCTGAAAGCAGCGGCCCAGGGGCTTCTGGGTGGGCGGCCGGGGGTGCGAGGGCT[TGGGGTGCGGCAGCAGGTGCTGGGAG>T]GGGGCTGCGCTCTCGGCGTTCGAGCTCTCAATGCGGTGCACCTGGACTGAGGCCTCGGGC-3'